The following is an entry in ClinVar:

ClinVar aggregate classification (germline): Uncertain significance (1 of 4 stars; one submission).

Allele frequency attached by ClinVar (database versions not stated): gnomAD 0.00001; ExAC 0.00016.
gnomAD v4.1: 60 of 1,604,796 alleles (0.0037%); highest among the groups gnomAD compares: South Asian, 0.054%; no homozygotes.

Submission:

Labcorp Genetics (formerly Invitae), Labcorp
Classification: Uncertain significance. Last evaluated: 2022-03-16. Review status: criteria provided, single submitter. Criteria: Invitae Variant Classification Sherloc (09022015). Collection method: clinical testing. Allele origin: germline.
Comment: This sequence change replaces arginine, which is basic and polar, with glutamine, which is neutral and polar, at codon 91 of the SAG protein (p.Arg91Gln). This variant is present in population databases (rs753529922, gnomAD 0.06%). This variant has not been reported in the literature in individuals affected with SAG-related conditions. Algorithms developed to predict the effect of missense changes on protein structure and function output the following: SIFT: "Tolerated"; PolyPhen-2: "Benign"; Align-GVGD: "Class C0". The glutamine amino acid residue is found in multiple mammalian species, which suggests that this missense change does not adversely affect protein function. Algorithms developed to predict the effect of sequence changes on RNA splicing suggest that this variant may create or strengthen a splice site. In summary, the available evidence is currently insufficient to determine the role of this variant in disease. Therefore, it has been classified as a Variant of Uncertain Significance.

NM_000541.5(SAG):c.272G>A (p.Arg91Gln)

Gene: SAG (S-antigen visual arrestin; plus strand). Cytogenetic location: 2q37.1.
Variant type: single nucleotide variant.
Coding change: c.272G>A on transcript NM_000541.5 (MANE Select); coding-DNA position 272, G replaced by A.
Protein change: p.Arg91Gln; replaces arginine 91 with glutamine.
Molecular consequence: missense variant.
Genome position (GRCh38, 1-based): chr2:233,320,720, G>A. VCF-style: chr2-233320720-G-A. GRCh37 (hg19) VCF-style: chr2-234229366-G-A.
Other names: short protein forms R91Q.
Identifiers: ClinVar variation 2420945 (VCV002420945.6), dbSNP rs753529922, ClinGen allele CA2174321.